The following is an entry in ClinVar:

ClinVar aggregate classification (germline): Uncertain significance (1 of 4 stars; one submission).

Conditions:
Early-infantile DEE. Also called: Early infantile epileptic encephalopathy; Early infantile epileptic encephalopathy with suppression bursts; Ohtahara syndrome. Identifiers: Orphanet 1934, MedGen C0393706, MONDO:0800491.

Submission:

Labcorp Genetics (formerly Invitae), Labcorp
Classification: Uncertain significance for Early-infantile DEE. Last evaluated: 2025-12-08. Review status: criteria provided, single submitter. Criteria: Invitae Variant Classification Sherloc (09022015). Collection method: clinical testing. Allele origin: germline.
Comment: This sequence change replaces threonine, which is neutral and polar, with isoleucine, which is neutral and non-polar, at codon 322 of the ARHGEF15 protein (p.Thr322Ile). This variant is not present in population databases (gnomAD no frequency). This variant has not been reported in the literature in individuals affected with ARHGEF15-related conditions. ClinVar contains an entry for this variant (Variation ID: 2106581). An algorithm developed to predict the effect of missense changes on protein structure and function outputs the following: PolyPhen-2: "Benign". The isoleucine amino acid residue is found in multiple mammalian species, which suggests that this missense change does not adversely affect protein function. In summary, the available evidence is currently insufficient to determine the role of this variant in disease. Therefore, it has been classified as a Variant of Uncertain Significance.

NM_173728.4(ARHGEF15):c.965C>T (p.Thr322Ile)

Gene: ARHGEF15 (Rho guanine nucleotide exchange factor 15; plus strand). Cytogenetic location: 17p13.1.
Variant type: single nucleotide variant.
Coding change: c.965C>T on transcript NM_173728.4 (MANE Select); coding-DNA position 965, C replaced by T.
Protein change: p.Thr322Ile; replaces threonine 322 with isoleucine.
Molecular consequence: missense variant.
Genome position (GRCh38, 1-based): chr17:8,313,531, C>T. VCF-style: chr17-8313531-C-T. GRCh37 (hg19) VCF-style: chr17-8216849-C-T.
Other names: c.965C>T, p.Thr322Ile (NM_025014.2); short protein forms T322I.
Identifiers: ClinVar variation 2106581 (VCV002106581.4), dbSNP rs2543931577, ClinGen allele CA398018303.